The following is an entry in ClinVar:

NM_006005.3(WFS1):c.2019C>T (p.Cys673=)

Gene: WFS1 (wolframin ER transmembrane glycoprotein; plus strand). Cytogenetic location: 4p16.1.
Variant type: single nucleotide variant.
Coding change: c.2019C>T on transcript NM_006005.3 (MANE Select); coding-DNA position 2019, C replaced by T.
Protein change: p.Cys673=; no amino-acid change (cysteine 673 retained).
Molecular consequence: synonymous variant.
Genome position (GRCh38, 1-based): chr4:6,301,814, C>T. VCF-style: chr4-6301814-C-T. GRCh37 (hg19) VCF-style: chr4-6303541-C-T.
Other names: p.C673C:TGC>TGT; p.Cys673=; c.2019C>T, p.Cys673= (NM_001145853.1).
Identifiers: ClinVar variation 130749 (VCV000130749.35), dbSNP rs71524375, ClinGen allele CA289142.
Genomic context (GRCh38, chr4:6,301,814, plus strand): 5'-CTCAGAGGGCATGAAGGTCTACAACTCCACACTGACCTGGCAGCAGTATGGTGCGCTGTG[C>T]GGGCCACGCGCCTGGAAGGAGACCAACATGGCGCGCACCCAGATCCTCTGCAGCCACCTG-3'
Protein context (NP_005996.2, residues 663-683): TLTWQQYGAL[Cys673=]GPRAWKETNM

ClinVar aggregate classification (germline): Benign. Review status: criteria provided, multiple submitters, no conflicts (2 of 4 stars). 12 submissions from 11 submitters: Benign (12). Last evaluated 2026-02-04.

Conditions:
WFS1-Related Spectrum Disorders.
Wolfram syndrome 1 (WFS1). Identifiers: Orphanet 3463, MedGen C4551693, MONDO:0009101, OMIM 222300.
Autosomal dominant nonsyndromic hearing loss 6 (LFSNHL). Also called: DEAFNESS, AUTOSOMAL DOMINANT 6; DEAFNESS, AUTOSOMAL DOMINANT 14; DEAFNESS, AUTOSOMAL DOMINANT 38; DIDMOAD (Diabetes Insipidus, Diabetes Mellitus, Optic Atrophy, and Deafness); Autosomal dominant nonsyndromic deafness 6. Identifiers: Orphanet 90635, MedGen C1833021, MONDO:0010963, OMIM 600965.

Allele frequency attached by ClinVar (database versions not stated): gnomAD exomes 0.00403; ExAC 0.00487; 1000 Genomes Project 0.01478; gnomAD 0.01548 and 0.01683; 1000 Genomes Project 30x 0.01702; TOPMed 0.01748; ESP Exome Variant Server 0.01876.
gnomAD v4.1: 5,232 of 1,613,024 alleles (0.32%); highest among the groups gnomAD compares: African/African-American, 5.4%; 136 homozygotes.

Submissions (12):

Labcorp Genetics (formerly Invitae), Labcorp
Classification: Benign. Last evaluated: 2026-02-04. Review status: criteria provided, single submitter. Criteria: Invitae Variant Classification Sherloc (09022015). Collection method: clinical testing. Allele origin: germline.

Mayo Clinic Laboratories, Mayo Clinic
Classification: Benign. Last evaluated: 2025-03-08. Review status: criteria provided, single submitter. Criteria: ACMG Guidelines, 2015. Collection method: clinical testing. Allele origin: germline. Observed: 5 variant alleles.

ARUP Laboratories, Molecular Genetics and Genomics, ARUP Laboratories
Classification: Benign. Last evaluated: 2024-07-12. Review status: criteria provided, single submitter. Criteria: ARUP Molecular Germline Variant Investigation Process 2024. Collection method: clinical testing. Allele origin: germline.

Athena Diagnostics
Classification: Benign. Last evaluated: 2020-07-10. Review status: criteria provided, single submitter. Criteria: Athena Diagnostics Criteria. Collection method: clinical testing. Allele origin: unknown.

Illumina Laboratory Services, Illumina
Classification: Benign for Autosomal dominant nonsyndromic hearing loss 6. Last evaluated: 2018-01-12. Review status: criteria provided, single submitter. Criteria: ICSL Variant Classification Criteria 13 December 2019. Collection method: clinical testing. Allele origin: germline.
Comment: This variant was observed in the ICSL laboratory as part of a predisposition screen in an ostensibly healthy population. It had not been previously curated by ICSL or reported in the Human Gene Mutation Database (HGMD: prior to June 1st, 2018), and was therefore a candidate for classification through an automated scoring system. Utilizing variant allele frequency, disease prevalence and penetrance estimates, and inheritance mode, an automated score was calculated to assess if this variant is too frequent to cause the disease. Based on the score and internal cut-off values, a variant classified as benign is not then subjected to further curation. The score for this variant resulted in a classification of benign for this disease.

Illumina Laboratory Services, Illumina
Classification: Benign for WFS1-Related Spectrum Disorders. Last evaluated: 2018-01-12. Review status: criteria provided, single submitter. Criteria: ICSL Variant Classification Criteria 13 December 2019. Collection method: clinical testing. Allele origin: germline.
Comment: the same text as in the submission from Illumina Laboratory Services, Illumina above.

GeneDx
Classification: Benign. Last evaluated: 2013-12-26. Review status: criteria provided, single submitter. Criteria: GeneDx Variant Classification (06012015). Collection method: clinical testing. Allele origin: germline. Affected: yes.
Comment: This variant is considered likely benign or benign based on one or more of the following criteria: it is a conservative change, it occurs at a poorly conserved position in the protein, it is predicted to be benign by multiple in silico algorithms, and/or has population frequency not consistent with disease.

Genetic Services Laboratory, University of Chicago
Classification: Benign for AllHighlyPenetrant. Last evaluated: 2013-03-05. Review status: criteria provided, single submitter. Criteria: ACMG Guidelines, 2007. Collection method: clinical testing. Allele origin: germline. Inheritance: Autosomal recessive inheritance.

Laboratory for Molecular Medicine, Mass General Brigham Personalized Medicine
Classification: Benign. Last evaluated: 2012-05-07. Review status: criteria provided, single submitter. Criteria: LMM Criteria. Collection method: clinical testing. Allele origin: germline. Observed: 16 variant alleles.
Comment: "Cys673Cys in Exon 08 of WFS1: This variant is not expected to have clinical sig nificance because it does not alter an amino acid residue, is not located within the splice consensus sequence, and has been identified in 5.4% (202/3738) of Af rican American chromosomes from a broad population by the NHLBI Exome Sequencing Project (dbSNP rs71524375)."

Breakthrough Genomics
Classification: Benign. Review status: criteria provided, single submitter. Criteria: ACMG Guidelines, 2015. Collection method: not provided. Allele origin: germline. Inheritance: Autosomal recessive inheritance. Affected: yes.

Clinical Genomics, Uppaluri K&H Personalized Medicine Clinic
Classification: Benign for Wolfram syndrome 1. Review status: criteria provided, single submitter. Criteria: K & H Uppaluri Personalized Medicine Clinic Variant Classification & Assertion Criteria_Updated V.1. Collection method: research. Allele origin: unknown. Inheritance: Autosomal recessive inheritance.
Comment: Potent mutations in WFS1 gene are associated with Wolfram's syndrome, an autosomal recessive condition, which cause diabetes mellitus, diabetes insipidus, deafness and optic atrophy. However no sufficient evidence is found to ascertain the role of this particular variant rs71524375 yet.

PreventionGenetics, part of Exact Sciences
Classification: Benign. Review status: criteria provided, single submitter. Criteria: ACMG Guidelines, 2015. Collection method: clinical testing. Allele origin: germline.

Literature cited by the submitters: PubMed 20738327 (cited by Clinical Genomics, Uppaluri K&H Personalized Medicine Clinic); PubMed 33879153 (cited by Clinical Genomics, Uppaluri K&H Personalized Medicine Clinic); PubMed 12955714 (cited by Clinical Genomics, Uppaluri K&H Personalized Medicine Clinic); PubMed 18060660 (cited by Clinical Genomics, Uppaluri K&H Personalized Medicine Clinic); PubMed 20301750 (cited by Clinical Genomics, Uppaluri K&H Personalized Medicine Clinic); PubMed 17603484 (cited by Clinical Genomics, Uppaluri K&H Personalized Medicine Clinic).